The following is an entry in ClinVar:

NM_000179.3(MSH6):c.701A>C (p.Lys234Thr)

Gene: MSH6 (mutS homolog 6; plus strand). Cytogenetic location: 2p16.3.
Variant type: single nucleotide variant.
Coding change: c.701A>C on transcript NM_000179.3 (MANE Select); coding-DNA position 701, A replaced by C.
Protein change: p.Lys234Thr; replaces lysine 234 with threonine.
Molecular consequence: missense variant. On other transcripts: 5 prime UTR variant (2).
Genome position (GRCh38, 1-based): chr2:47,798,684, A>C. VCF-style: chr2-47798684-A-C. GRCh37 (hg19) VCF-style: chr2-48025823-A-C.
Other names: c.311A>C, p.Lys104Thr (NM_001281492.2); c.-206A>C (NM_001281493.2, NM_001281494.2); short protein forms K234T, K104T.
Identifiers: ClinVar variation 628147 (VCV000628147.6), dbSNP rs1558658986, ClinGen allele CA346739969.

ClinVar aggregate classification (germline): Uncertain significance. Review status: criteria provided, multiple submitters, no conflicts (2 of 4 stars). 2 submissions from 2 submitters: Uncertain significance (2). Last evaluated 2024-03-06.

Conditions:
Hereditary cancer-predisposing syndrome. Also called: Neoplastic Syndromes, Hereditary; Tumor predisposition; Hereditary neoplastic syndrome; Hereditary Cancer Syndrome. Identifiers: Orphanet 140162, MedGen C0027672, MeSH D009386, MONDO:0015356.

Submissions (2):

Color Diagnostics, LLC DBA Color Health
Classification: Uncertain significance for Hereditary cancer-predisposing syndrome. Last evaluated: 2024-03-06. Review status: criteria provided, single submitter. Criteria: ACMG Guidelines, 2015. Collection method: clinical testing. Allele origin: germline.
Comment: This missense variant replaces lysine with threonine at codon 234 of the MSH6 protein. Computational prediction suggests that this variant may not impact protein structure and function (internally defined REVEL score threshold <= 0.5, PMID: 27666373). To our knowledge, functional studies have not been reported for this variant. This variant has not been reported in individuals affected with MSH6-related disorders in the literature. This variant has not been identified in the general population by the Genome Aggregation Database (gnomAD). The available evidence is insufficient to determine the role of this variant in disease conclusively. Therefore, this variant is classified as a Variant of Uncertain Significance.

Ambry Genetics
Classification: Uncertain significance for Hereditary cancer-predisposing syndrome. Last evaluated: 2021-08-05. Review status: criteria provided, single submitter. Criteria: Ambry Variant Classification Scheme 2023. Collection method: clinical testing. Allele origin: germline.
Comment: The p.K234T variant (also known as c.701A>C), located in coding exon 4 of the MSH6 gene, results from an A to C substitution at nucleotide position 701. The lysine at codon 234 is replaced by threonine, an amino acid with similar properties. This amino acid position is well conserved in available vertebrate species. In addition, this alteration is predicted to be tolerated by in silico analysis. Since supporting evidence is limited at this time, the clinical significance of this alteration remains unclear.